The following is an entry in ClinVar:

ClinVar aggregate classification (germline): Uncertain significance (1 of 4 stars; one submission).

Conditions:
Hereditary cancer-predisposing syndrome. Also called: Neoplastic Syndromes, Hereditary; Hereditary neoplastic syndrome; Tumor predisposition; Hereditary Cancer Syndrome. Identifiers: Orphanet 140162, MedGen C0027672, MeSH D009386, MONDO:0015356.

Submission:

Ambry Genetics
Classification: Uncertain significance for Hereditary cancer-predisposing syndrome. Last evaluated: 2023-01-16. Review status: criteria provided, single submitter. Criteria: Ambry Variant Classification Scheme 2023. Collection method: clinical testing. Allele origin: germline.
Comment: The p.P597Q variant (also known as c.1790C>A), located in coding exon 10 of the ATM gene, results from a C to A substitution at nucleotide position 1790. The proline at codon 597 is replaced by glutamine, an amino acid with similar properties. This amino acid position is conserved. In addition, the in silico prediction for this alteration is inconclusive. Since supporting evidence is limited at this time, the clinical significance of this alteration remains unclear.

NM_000051.4(ATM):c.1790C>A (p.Pro597Gln)

Gene: ATM (ATM serine/threonine kinase; plus strand). Cytogenetic location: 11q22.3.
Variant type: single nucleotide variant.
Coding change: c.1790C>A on transcript NM_000051.4 (MANE Select); coding-DNA position 1790, C replaced by A.
Protein change: p.Pro597Gln; replaces proline 597 with glutamine.
Molecular consequence: missense variant.
Genome position (GRCh38, 1-based): chr11:108,252,019, C>A. VCF-style: chr11-108252019-C-A. GRCh37 (hg19) VCF-style: chr11-108122746-C-A.
Other names: c.1790C>A, p.Pro597Gln (NM_001351834.2); short protein forms P597Q.
Identifiers: ClinVar variation 2453961 (VCV002453961.2), dbSNP rs765847854, ClinGen allele CA382535548.